The following is an entry in ClinVar:

ClinVar aggregate classification (germline): Uncertain significance. Review status: criteria provided, multiple submitters, no conflicts (2 of 4 stars). 3 submissions from 3 submitters: Uncertain significance (3). Last evaluated 2025-05-18.

Allele frequency attached by ClinVar (database versions not stated): TOPMed below 0.00001; gnomAD 0.00001 and 0.00003; ExAC 0.00008; ESP Exome Variant Server 0.00008; gnomAD exomes 0.00009.

Submissions (3):

Ambry Genetics
Classification: Uncertain significance. Last evaluated: 2025-05-18. Review status: criteria provided, single submitter. Criteria: Ambry Variant Classification Scheme 2023. Collection method: clinical testing. Allele origin: germline.

Blueprint Genetics
Classification: Uncertain significance. Last evaluated: 2023-02-06. Review status: criteria provided, single submitter. Criteria: ACMG Guidelines, 2015. Collection method: clinical testing. Allele origin: germline.

Labcorp Genetics (formerly Invitae), Labcorp
Classification: Uncertain significance. Last evaluated: 2022-07-06. Review status: criteria provided, single submitter. Criteria: Invitae Variant Classification Sherloc (09022015). Collection method: clinical testing. Allele origin: germline.
Comment: This sequence change replaces proline, which is neutral and non-polar, with leucine, which is neutral and non-polar, at codon 339 of the DNASE2 protein (p.Pro339Leu). This variant is present in population databases (rs375137579, gnomAD 0.06%). This variant has not been reported in the literature in individuals affected with DNASE2-related conditions. ClinVar contains an entry for this variant (Variation ID: 1346441). Algorithms developed to predict the effect of missense changes on protein structure and function are either unavailable or do not agree on the potential impact of this missense change (SIFT: "Tolerated"; PolyPhen-2: "Possibly Damaging"; Align-GVGD: "Class C0"). In summary, the available evidence is currently insufficient to determine the role of this variant in disease. Therefore, it has been classified as a Variant of Uncertain Significance.

NM_001375.3(DNASE2):c.1016C>T (p.Pro339Leu)

Gene: DNASE2 (deoxyribonuclease 2, lysosomal; minus strand). Cytogenetic location: 19p13.13.
Variant type: single nucleotide variant.
Coding change: c.1016C>T on transcript NM_001375.3 (MANE Select); coding-DNA position 1016, C replaced by T.
Protein change: p.Pro339Leu; replaces proline 339 with leucine.
Molecular consequence: missense variant.
Genome position (GRCh38, 1-based): chr19:12,876,057, G>A on the plus strand (C>T on the coding strand, the complement: DNASE2 is on the minus strand). VCF-style: chr19-12876057-G-A. GRCh37 (hg19) VCF-style: chr19-12986871-G-A.
Other names: c.1016C>T (NM_001375.2); short protein forms P339L.
Identifiers: ClinVar variation 1346441 (VCV001346441.6), dbSNP rs375137579, ClinGen allele CA9233651.